The following is an entry in ClinVar:

NM_000059.4(BRCA2):c.1371G>A (p.Lys457=)

Gene: BRCA2 (BRCA2 DNA repair associated; plus strand). Cytogenetic location: 13q13.1.
Variant type: single nucleotide variant.
Coding change: c.1371G>A on transcript NM_000059.4 (MANE Select); coding-DNA position 1371, G replaced by A.
Protein change: p.Lys457=; no amino-acid change (lysine 457 retained).
Molecular consequence: synonymous variant.
Genome position (GRCh38, 1-based): chr13:32,332,849, G>A. VCF-style: chr13-32332849-G-A. GRCh37 (hg19) VCF-style: chr13-32906986-G-A.
Identifiers: ClinVar variation 185816 (VCV000185816.25), dbSNP rs786202479, ClinGen allele CA011801.

ClinVar aggregate classification (germline): Likely benign. Review status: reviewed by expert panel (3 of 4 stars). 7 submissions from 7 submitters: Likely benign (1). 6 of the submissions do not count toward it. Last evaluated 2017-06-29.

Conditions:
BRCA2-related cancer predisposition. Identifiers: MedGen CN377758, MONDO:0700269.
Hereditary breast ovarian cancer syndrome. Also called: Hereditary breast and ovarian cancer; Hereditary breast and ovarian cancer syndrome; Breast and ovarian cancer; Hereditary breast and ovarian cancer syndrome (HBOC); Hereditary breast and/or ovarian cancer syndrome; BRCA1- and BRCA2-Associated Hereditary Breast and Ovarian Cancer. Identifiers: Orphanet 145, MedGen C0677776, MeSH D061325, MONDO:0003582. Disease mechanism: loss of function.
Hereditary cancer-predisposing syndrome. Also called: Hereditary Cancer Syndrome; Neoplastic Syndromes, Hereditary; Tumor predisposition; Hereditary neoplastic syndrome. Identifiers: Orphanet 140162, MedGen C0027672, MeSH D009386, MONDO:0015356.
Breast-ovarian cancer, familial, susceptibility to, 2 (BROVCA2). Also called: BRCA2 Hereditary Breast and Ovarian Cancer. Identifiers: Orphanet 145, MedGen C2675520, MONDO:0012933, OMIM 612555. Disease mechanism: loss of function.

Allele frequency attached by ClinVar (database versions not stated): gnomAD exomes below 0.00001; gnomAD 0.00001; TOPMed 0.00002.
gnomAD v4.1: 4 of 1,611,656 alleles (0.00025%); highest among the groups gnomAD compares: African/African-American, 0.0027%; no homozygotes.

Submissions (7):

Evidence-based Network for the Interpretation of Germline Mutant Alleles (ENIGMA)
Classification: Likely benign for Breast-ovarian cancer, familial, susceptibility to, 2. Last evaluated: 2017-06-29. Review status: reviewed by expert panel. Criteria: ENIGMA BRCA1/2 Classification Criteria (2017-06-29). Collection method: curation. Allele origin: germline.
Comment: Synonymous substitution variant, with low bioinformatic likelihood to result in a splicing aberration (Splicing prior probability 0.02).

Labcorp Genetics (formerly Invitae), Labcorp
Classification: Likely benign for Hereditary breast ovarian cancer syndrome. Last evaluated: 2025-11-18. Review status: criteria provided, single submitter. Criteria: Invitae Variant Classification Sherloc (09022015). Collection method: clinical testing. Allele origin: germline. Not counted in ClinVar's aggregate classification.

Quest Diagnostics Nichols Institute San Juan Capistrano
Classification: Likely benign. Last evaluated: 2025-10-21. Review status: criteria provided, single submitter. Criteria: Quest Diagnostics criteria. Collection method: clinical testing. Allele origin: unknown. Not counted in ClinVar's aggregate classification.

All of Us Research Program, National Institutes of Health
Classification: Likely benign for BRCA2-related cancer predisposition. Last evaluated: 2024-07-20. Review status: criteria provided, single submitter. Criteria: ACMG Guidelines, 2015. Collection method: clinical testing. Allele origin: germline. Inheritance: Autosomal dominant inheritance. Observed: 3 variant alleles, 3 heterozygotes. Not counted in ClinVar's aggregate classification.
Comment: This study involves interpretation of variants in research participants for the purpose of population health screening. Participant phenotype was not available at the time of variant classification. Additional details can be found in publication PMID: 35346344, PMCID: PMC8962531

Women's Health and Genetics/Laboratory Corporation of America, LabCorp
Classification: Likely benign. Last evaluated: 2020-01-31. Review status: criteria provided, single submitter. Criteria: LabCorp Variant Classification Summary - May 2015. Collection method: clinical testing. Allele origin: germline. Not counted in ClinVar's aggregate classification.

Color Diagnostics, LLC DBA Color Health
Classification: Likely benign for Hereditary cancer-predisposing syndrome. Last evaluated: 2018-03-26. Review status: criteria provided, single submitter. Criteria: ACMG Guidelines, 2015. Collection method: clinical testing. Allele origin: germline. Not counted in ClinVar's aggregate classification.

Ambry Genetics
Classification: Likely benign for Hereditary cancer-predisposing syndrome. Last evaluated: 2016-06-28. Review status: criteria provided, single submitter. Criteria: Ambry Variant Classification Scheme 2023. Collection method: clinical testing. Allele origin: germline. Not counted in ClinVar's aggregate classification.

Literature cited by the submitters: PubMed 29088781 (cited by Quest Diagnostics Nichols Institute San Juan Capistrano and Women's Health and Genetics/Laboratory Corporation of America, LabCorp).